The following is an entry in ClinVar:

NM_000465.4(BARD1):c.1727G>C (p.Gly576Ala)

Gene: BARD1 (BRCA1 associated RING domain 1; minus strand). Cytogenetic location: 2q35.
Variant type: single nucleotide variant.
Coding change: c.1727G>C on transcript NM_000465.4 (MANE Select); coding-DNA position 1727, G replaced by C.
Protein change: p.Gly576Ala; replaces glycine 576 with alanine.
Molecular consequence: missense variant. On other transcripts: non-coding transcript variant (3), intron variant (1).
Genome position (GRCh38, 1-based): chr2:214,745,805, C>G on the plus strand (G>C on the coding strand, the complement: BARD1 is on the minus strand). VCF-style: chr2-214745805-C-G. GRCh37 (hg19) VCF-style: chr2-215610529-C-G.
Other names: c.1670G>C, p.Gly557Ala (NM_001282543.2); c.374G>C, p.Gly125Ala (NM_001282545.2); c.317G>C, p.Gly106Ala (NM_001282548.2); c.365-15297G>C (NM_001282549.2); c.1727G>C (NM_000465.3); short protein forms G125A, G576A, G106A, G557A.
Identifiers: ClinVar variation 919707 (VCV000919707.9), dbSNP rs768793837, ClinGen allele CA2090180.

ClinVar aggregate classification (germline): Uncertain significance. Review status: criteria provided, multiple submitters, no conflicts (2 of 4 stars). 4 submissions from 4 submitters: Uncertain significance (4). Last evaluated 2025-12-29.

Conditions:
Familial cancer of breast. Also called: BREAST CANCER, FAMILIAL; Hereditary breast cancer; hereditary breast carcinoma. Identifiers: Orphanet 227535, MedGen C0346153, MONDO:0016419, OMIM 114480. Disease mechanism: loss of function.
Hereditary cancer-predisposing syndrome. Also called: Neoplastic Syndromes, Hereditary; Tumor predisposition; Hereditary Cancer Syndrome; Hereditary neoplastic syndrome. Identifiers: Orphanet 140162, MedGen C0027672, MeSH D009386, MONDO:0015356.

Allele frequency attached by ClinVar (database versions not stated): gnomAD exomes below 0.00001; ExAC 0.00001.
gnomAD v4.1: 2 of 1,613,930 alleles (0.00012%); highest among the groups gnomAD compares: South Asian, 0.0011%; no homozygotes.

Submissions (4):

Center for Genomic Medicine, Rigshospitalet, Copenhagen University Hospital
Classification: Uncertain significance. Last evaluated: 2025-12-29. Review status: criteria provided, single submitter. Criteria: ACMG Guidelines, 2015. Collection method: clinical testing. Allele origin: germline.

Quest Diagnostics Nichols Institute San Juan Capistrano
Classification: Uncertain significance. Last evaluated: 2025-02-04. Review status: criteria provided, single submitter. Criteria: Quest Diagnostics criteria. Collection method: clinical testing. Allele origin: unknown.
Comment: The BARD1 c.1727G>C (p.Gly576Ala) variant has not been reported in individuals with BARD1-related conditions in the published literature. The frequency of this variant in the general population (Genome Aggregation Database) is uninformative in the assessment of its pathogenicity. Analysis of this variant using bioinformatics tools for the prediction of the effect of amino acid changes on protein structure and function yielded conflicting predictions that this variant is benign or damaging. Based on the available information, we are unable to determine the clinical significance of this variant.

Color Diagnostics, LLC DBA Color Health
Classification: Uncertain significance for Hereditary cancer-predisposing syndrome. Last evaluated: 2023-12-05. Review status: criteria provided, single submitter. Criteria: ACMG Guidelines, 2015. Collection method: clinical testing. Allele origin: germline.
Comment: This missense variant replaces glycine with alanine at codon 576 of the BARD1 protein. Computational prediction suggests that this variant may not impact protein structure and function (internally defined REVEL score threshold <= 0.5, PMID: 27666373). To our knowledge, functional studies have not been reported for this variant. This variant has not been reported in individuals affected with BARD1-related disorders in the literature. This variant has been identified in 1/251326 chromosomes in the general population by the Genome Aggregation Database (gnomAD). The available evidence is insufficient to determine the role of this variant in disease conclusively. Therefore, this variant is classified as a Variant of Uncertain Significance.

Labcorp Genetics (formerly Invitae), Labcorp
Classification: Uncertain significance for Familial cancer of breast. Last evaluated: 2023-10-04. Review status: criteria provided, single submitter. Criteria: Invitae Variant Classification Sherloc (09022015). Collection method: clinical testing. Allele origin: germline.
Comment: This sequence change replaces glycine, which is neutral and non-polar, with alanine, which is neutral and non-polar, at codon 576 of the BARD1 protein (p.Gly576Ala). This variant is present in population databases (rs768793837, gnomAD 0.003%). This variant has not been reported in the literature in individuals affected with BARD1-related conditions. ClinVar contains an entry for this variant (Variation ID: 919707). An algorithm developed to predict the effect of missense changes on protein structure and function (PolyPhen-2) suggests that this variant is likely to be disruptive. In summary, the available evidence is currently insufficient to determine the role of this variant in disease. Therefore, it has been classified as a Variant of Uncertain Significance.